The following is an entry in ClinVar:

NM_001008537.3(NEXMIF):c.742G>A (p.Glu248Lys)

Gene: NEXMIF (neurite extension and migration factor; minus strand). Cytogenetic location: Xq13.3.
Variant type: single nucleotide variant.
Coding change: c.742G>A on transcript NM_001008537.3 (MANE Select); coding-DNA position 742, G replaced by A.
Protein change: p.Glu248Lys; replaces glutamic acid 248 with lysine.
Molecular consequence: missense variant.
Genome position (GRCh38, 1-based): chrX:74,743,815, C>T on the plus strand (G>A on the coding strand, the complement: NEXMIF is on the minus strand). VCF-style: chrX-74743815-C-T. GRCh37 (hg19) VCF-style: chrX-73963650-C-T.
Other names: short protein forms E248K.
Identifiers: ClinVar variation 1044044 (VCV001044044.8), dbSNP rs2080116691, ClinGen allele CA413672638.

ClinVar aggregate classification (germline): Uncertain significance (1 of 4 stars; one submission).

Submission:

Labcorp Genetics (formerly Invitae), Labcorp
Classification: Uncertain significance. Last evaluated: 2020-06-30. Review status: criteria provided, single submitter. Criteria: Invitae Variant Classification Sherloc (09022015). Collection method: clinical testing. Allele origin: germline.
Comment: In summary, the available evidence is currently insufficient to determine the role of this variant in disease. Therefore, it has been classified as a Variant of Uncertain Significance. Algorithms developed to predict the effect of missense changes on protein structure and function (SIFT, PolyPhen-2, Align-GVGD) all suggest that this variant is likely to be disruptive, but these predictions have not been confirmed by published functional studies and their clinical significance is uncertain. This variant has not been reported in the literature in individuals with NEXMIF-related conditions. This variant is not present in population databases (ExAC no frequency). This sequence change replaces glutamic acid with lysine at codon 248 of the NEXMIF protein (p.Glu248Lys). The glutamic acid residue is highly conserved and there is a small physicochemical difference between glutamic acid and lysine.